The following is an entry in ClinVar:

NM_001943.5(DSG2):c.769C>T (p.Gln257Ter)

Gene: DSG2 (desmoglein 2; plus strand). Cytogenetic location: 18q12.1.
Variant type: single nucleotide variant.
Coding change: c.769C>T on transcript NM_001943.5 (MANE Select); coding-DNA position 769, C replaced by T.
Protein change: p.Gln257Ter; replaces glutamine 257 with a stop codon.
Molecular consequence: nonsense.
Genome position (GRCh38, 1-based): chr18:31,524,526, C>T. VCF-style: chr18-31524526-C-T. GRCh37 (hg19) VCF-style: chr18-29104489-C-T.
Other names: p.Q257*:CAA>TAA; c.769C>T (LRG_397t1); short protein forms Q257*.
Identifiers: ClinVar variation 199800 (VCV000199800.4), dbSNP rs794728083, ClinGen allele CA022251.

ClinVar aggregate classification (germline): Pathogenic. Review status: criteria provided, multiple submitters, no conflicts (2 of 4 stars). 2 submissions from 2 submitters: Pathogenic (2). Last evaluated 2024-03-25.

Conditions:
Arrhythmogenic right ventricular dysplasia 10. Also called: Arrhythmogenic right ventricular dysplasia/cardiomyopathy, type 10; Arrhythmogenic Right Ventricular Dysplasia/Cardiomyopathy10; ARRHYTHMOGENIC RIGHT VENTRICULAR DYSPLASIA, FAMILIAL, 10. Identifiers: MedGen C1857777, MONDO:0012434, OMIM 610193.

Submissions (2):

Genomic Medicine Center of Excellence, King Faisal Specialist Hospital and Research Centre
Classification: Pathogenic for Arrhythmogenic right ventricular dysplasia 10. Last evaluated: 2024-03-25. Review status: criteria provided, single submitter. Criteria: ACMG Guidelines, 2015. Collection method: research. Allele origin: germline.

GeneDx
Classification: Pathogenic. Last evaluated: 2014-05-28. Review status: criteria provided, single submitter. Criteria: GeneDx Variant Classification (06012015). Collection method: clinical testing. Allele origin: germline. Affected: yes.
Comment: p.Gln257Stop (CAA>TAA): c.769 C>T in exon 7 of the DSG2 gene (NM_001943.3). The Q257X mutation in the DSG2 gene has not been reported as a disease-causing mutation or as a benign polymorphism to our knowledge. Q257X is predicted to cause loss of normal protein function either by protein truncation or nonsense-mediated mRNA decay. Other nonsense mutations in the DSG2 gene have been reported in association with ARVC. In summary, Q257X in the DSG2 gene is interpreted as a disease-causing mutation. The variant is found in ARVC panel(s).